The following is an entry in ClinVar:

NM_001267550.2(TTN):c.102698A>G (p.Tyr34233Cys)

Genes: TTN-AS1 (TTN antisense RNA 1; plus strand), TTN (titin; minus strand). Cytogenetic location: 2q31.2.
Variant type: single nucleotide variant.
Coding change: c.102698A>G on transcript NM_001267550.2 (MANE Select); coding-DNA position 102698, A replaced by G.
Protein change: p.Tyr34233Cys; replaces tyrosine 34233 with cysteine.
Molecular consequence: missense variant.
Genome position (GRCh38, 1-based): chr2:178,533,917, T>C on the plus strand (A>G on the coding strand, the complement: TTN is on the minus strand). VCF-style: chr2-178533917-T-C. GRCh37 (hg19) VCF-style: chr2-179398644-T-C.
Other names: c.97775A>G, p.Tyr32592Cys (NM_001256850.1); c.75503A>G, p.Tyr25168Cys (NM_003319.4); c.94994A>G, p.Tyr31665Cys (NM_133378.4); c.75878A>G, p.Tyr25293Cys (NM_133432.3); c.76079A>G, p.Tyr25360Cys (NM_133437.4); short protein forms Y34233C, Y25293C, Y25360C, Y31665C, Y25168C, Y32592C.
Identifiers: ClinVar variation 851902 (VCV000851902.10), dbSNP rs1461306828, ClinGen allele CA349416957.

ClinVar aggregate classification (germline): Uncertain significance (1 of 4 stars; one submission).

Conditions:
Dilated cardiomyopathy 1G (CMD1G). Identifiers: Orphanet 154, MedGen C1858763, MONDO:0011400, OMIM 604145.
Autosomal recessive limb-girdle muscular dystrophy type 2J (LGMDR10). Also called: MUSCULAR DYSTROPHY, LIMB-GIRDLE, AUTOSOMAL RECESSIVE 10; Limb-girdle muscular dystrophy, type 2J. Identifiers: Orphanet 140922, MedGen C1837342, MONDO:0012127, OMIM 608807.

Allele frequency attached by ClinVar (database versions not stated): gnomAD exomes below 0.00001 and 0.00001; gnomAD 0.00001; TOPMed 0.00001.
gnomAD v4.1: 5 of 1,613,756 alleles (0.00031%); highest among the groups gnomAD compares: Admixed American, 0.005%; no homozygotes.

Submission:

Labcorp Genetics (formerly Invitae), Labcorp
Classification: Uncertain significance for Dilated cardiomyopathy 1G; Autosomal recessive limb-girdle muscular dystrophy type 2J. Last evaluated: 2023-08-07. Review status: criteria provided, single submitter. Criteria: Invitae Variant Classification Sherloc (09022015). Collection method: clinical testing. Allele origin: germline.
Comment: This variant is present in population databases (no rsID available, gnomAD 0.006%). This sequence change replaces tyrosine, which is neutral and polar, with cysteine, which is neutral and slightly polar, at codon 34233 of the TTN protein (p.Tyr34233Cys). This variant has not been reported in the literature in individuals affected with TTN-related conditions. ClinVar contains an entry for this variant (Variation ID: 851902). Experimental studies and prediction algorithms are not available or were not evaluated, and the functional significance of this variant is currently unknown. This variant is located in the M band of TTN (PMID: 25589632). Variants in this region may be relevant for neuromuscular disorders, but have not been definitively shown to cause cardiomyopathy (PMID: 23975875). In summary, the available evidence is currently insufficient to determine the role of this variant in disease. Therefore, it has been classified as a Variant of Uncertain Significance.

Literature cited by the submitters: PubMed 25589632; PubMed 23975875.